The following is an entry in ClinVar:

ClinVar aggregate classification (germline): Benign/Likely benign. Review status: criteria provided, multiple submitters, no conflicts (2 of 4 stars). 21 submissions from 19 submitters: Benign (11); Likely benign (3). 7 of the submissions do not count toward it. Last evaluated 2026-02-04.

Conditions:
Cardiovascular phenotype. Identifiers: MedGen CN230736.
Desmin-related myofibrillar myopathy (MFM1). Also called: MYOFIBRILLAR MYOPATHY WITH ARRHYTHMOGENIC RIGHT VENTRICULAR CARDIOMYOPATHY; DESMIN-RELATED MYOPATHY WITH ARRHYTHMOGENIC RIGHT VENTRICULAR CARDIOMYOPATHY; Myofibrillar myopathy 1; Desmin related myopathy (former name); Desmin storage myopathy (former name); Desminopathy. Identifiers: Orphanet 363543, Orphanet 98909, MedGen C1832370, MONDO:0011076, OMIM 601419.
Neurogenic scapuloperoneal syndrome, Kaeser type (SCPNK). Also called: KAESER SYNDROME. Identifiers: Orphanet 85146, MedGen C1867005, MONDO:0008407, OMIM 181400.
Dilated cardiomyopathy 1I (CMD1I). Identifiers: Orphanet 154, MedGen C1858154, MONDO:0011482, OMIM 604765.

Allele frequency attached by ClinVar (database versions not stated): 1000 Genomes Project 0.01238; 1000 Genomes Project 30x 0.01327; TOPMed 0.02385; ESP Exome Variant Server 0.02553; gnomAD 0.02597 and 0.02697; gnomAD exomes 0.02660 and 0.03219; ExAC 0.04124.
gnomAD v4.1: 49,494 of 1,573,926 alleles (3.1%); highest among the groups gnomAD compares: Non-Finnish European, 3.6%; 938 homozygotes.

Submissions (21):

Labcorp Genetics (formerly Invitae), Labcorp
Classification: Benign for Desmin-related myofibrillar myopathy. Last evaluated: 2026-02-04. Review status: criteria provided, single submitter. Criteria: Invitae Variant Classification Sherloc (09022015). Collection method: clinical testing. Allele origin: germline.

Athena Diagnostics
Classification: Benign. Last evaluated: 2025-11-03. Review status: criteria provided, single submitter. Criteria: Athena Diagnostics Criteria. Collection method: clinical testing. Allele origin: unknown.
Comment: The frequency of this variant in the general population is higher than would generally be expected for pathogenic variants in this gene. Computational tools yielded predictions that this variant is unlikely to have an effect on normal RNA splicing. This nucleotide position exhibits low evolutionary conservation.

Molecular Diagnostic Laboratory for Inherited Cardiovascular Disease, Montreal Heart Institute
Classification: Benign. Last evaluated: 2025-04-09. Review status: criteria provided, single submitter. Criteria: ACMG Guidelines, 2015. Collection method: clinical testing. Allele origin: germline. Affected: no.

Blueprint Genetics
Classification: Benign. Last evaluated: 2024-11-26. Review status: criteria provided, single submitter. Criteria: ACMG Guidelines, 2015. Collection method: clinical testing. Allele origin: germline.

Mayo Clinic Laboratories, Mayo Clinic
Classification: Benign. Last evaluated: 2018-02-02. Review status: criteria provided, single submitter. Criteria: ACMG Guidelines, 2015. Collection method: clinical testing. Allele origin: germline. Observed: 141 variant alleles.

Illumina Laboratory Services, Illumina
Classification: Benign for Neurogenic scapuloperoneal syndrome, Kaeser type. Last evaluated: 2018-01-12. Review status: criteria provided, single submitter. Criteria: ICSL Variant Classification Criteria 13 December 2019. Collection method: clinical testing. Allele origin: germline.
Comment: This variant was observed in the ICSL laboratory as part of a predisposition screen in an ostensibly healthy population. It had not been previously curated by ICSL or reported in the Human Gene Mutation Database (HGMD: prior to June 1st, 2018), and was therefore a candidate for classification through an automated scoring system. Utilizing variant allele frequency, disease prevalence and penetrance estimates, and inheritance mode, an automated score was calculated to assess if this variant is too frequent to cause the disease. Based on the score and internal cut-off values, a variant classified as benign is not then subjected to further curation. The score for this variant resulted in a classification of benign for this disease.

Illumina Laboratory Services, Illumina
Classification: Likely benign for Dilated cardiomyopathy 1I. Last evaluated: 2018-01-12. Review status: criteria provided, single submitter. Criteria: ICSL Variant Classification Criteria 13 December 2019. Collection method: clinical testing. Allele origin: germline.
Comment: This variant was observed in the ICSL laboratory as part of a predisposition screen in an ostensibly healthy population. It had not been previously curated by ICSL or reported in the Human Gene Mutation Database (HGMD: prior to June 1st, 2018), and was therefore a candidate for classification through an automated scoring system. Utilizing variant allele frequency, disease prevalence and penetrance estimates, and inheritance mode, an automated score was calculated to assess if this variant is too frequent to cause the disease. Based on the score and internal cut-off values, a variant classified as likely benign is not then subjected to further curation. The score for this variant resulted in a classification of likely benign for this disease.

Illumina Laboratory Services, Illumina
Classification: Likely benign for Myofibrillar myopathy 1. Last evaluated: 2018-01-12. Review status: criteria provided, single submitter. Criteria: ICSL Variant Classification Criteria 13 December 2019. Collection method: clinical testing. Allele origin: germline.
Comment: the same text as in the submission from Illumina Laboratory Services, Illumina above.

Ambry Genetics
Classification: Benign for Cardiovascular phenotype. Last evaluated: 2015-06-29. Review status: criteria provided, single submitter. Criteria: Ambry Variant Classification Scheme 2023. Collection method: clinical testing. Allele origin: germline.

GeneDx
Classification: Benign. Last evaluated: 2015-03-03. Review status: criteria provided, single submitter. Criteria: GeneDx Variant Classification Process June 2021. Collection method: clinical testing. Allele origin: germline. Affected: yes.

Eurofins Ntd Llc (ga)
Classification: Benign. Last evaluated: 2014-01-30. Review status: criteria provided, single submitter. Criteria: EGL Classification Definitions 2015. Collection method: clinical testing. Allele origin: germline. Observed: 2 variant alleles, 2 heterozygotes.

Laboratory for Molecular Medicine, Mass General Brigham Personalized Medicine
Classification: Benign. Last evaluated: 2009-06-05. Review status: criteria provided, single submitter. Criteria: LMM Criteria. Collection method: clinical testing. Allele origin: germline. Observed: 160 variant alleles.

Breakthrough Genomics
Classification: Likely benign. Review status: criteria provided, single submitter. Criteria: ACMG Guidelines, 2015. Collection method: not provided. Allele origin: germline. Inheritance: Autosomal recessive inheritance. Affected: yes.

PreventionGenetics, part of Exact Sciences
Classification: Benign. Review status: criteria provided, single submitter. Criteria: ACMG Guidelines, 2015. Collection method: clinical testing. Allele origin: germline.

Clinical Genetics DNA and cytogenetics Diagnostics Lab, Erasmus MC, Erasmus Medical Center
Classification: Benign. Review status: no assertion criteria provided. Collection method: clinical testing. Allele origin: germline. Affected: yes. Study: VKGL Data-share Consensus. Not counted in ClinVar's aggregate classification.

Clinical Genetics, Academic Medical Center
Classification: Benign. Review status: no assertion criteria provided. Collection method: clinical testing. Allele origin: germline. Affected: yes. Study: VKGL Data-share Consensus. Not counted in ClinVar's aggregate classification.

Diagnostic Laboratory, Department of Genetics, University Medical Center Groningen
Classification: Benign. Review status: no assertion criteria provided. Collection method: clinical testing. Allele origin: germline. Affected: yes. Study: VKGL Data-share Consensus. Not counted in ClinVar's aggregate classification.

Genetic Services Laboratory, University of Chicago
Classification: Likely benign for AllHighlyPenetrant. Review status: no assertion criteria provided. Collection method: clinical testing. Allele origin: germline. Inheritance: Autosomal dominant inheritance. Not counted in ClinVar's aggregate classification.
Comment: Likely benign based on allele frequency in 1000 Genomes Project or ESP global frequency and its presence in a patient with a rare or unrelated disease phenotype. NOT Sanger confirmed.

Genome Diagnostics Laboratory, University Medical Center Utrecht
Classification: Benign. Review status: no assertion criteria provided. Collection method: clinical testing. Allele origin: germline. Affected: yes. Study: VKGL Data-share Consensus. Not counted in ClinVar's aggregate classification.

Joint Genome Diagnostic Labs from Nijmegen and Maastricht, Radboudumc and MUMC+
Classification: Benign. Review status: no assertion criteria provided. Collection method: clinical testing. Allele origin: germline. Affected: yes. Study: VKGL Data-share Consensus. Not counted in ClinVar's aggregate classification.

Laboratory of Diagnostic Genome Analysis, Leiden University Medical Center (LUMC)
Classification: Likely benign. Review status: no assertion criteria provided. Collection method: clinical testing. Allele origin: germline. Affected: yes. Study: VKGL Data-share Consensus. Not counted in ClinVar's aggregate classification.

Literature cited by the submitters: PubMed 22215463 (cited by Athena Diagnostics); PubMed 23168288 (cited by Athena Diagnostics); PubMed 10905661 (cited by Laboratory for Molecular Medicine, Mass General Brigham Personalized Medicine).

NM_001927.4(DES):c.408C>T (p.Leu136=)

Gene: DES (desmin; plus strand). Cytogenetic location: 2q35.
Variant type: single nucleotide variant.
Coding change: c.408C>T on transcript NM_001927.4 (MANE Select); coding-DNA position 408, C replaced by T.
Protein change: p.Leu136=; no amino-acid change (leucine 136 retained).
Molecular consequence: synonymous variant.
Genome position (GRCh38, 1-based): chr2:219,418,870, C>T. VCF-style: chr2-219418870-C-T. GRCh37 (hg19) VCF-style: chr2-220283592-C-T.
Other names: p.Leu136=.
Identifiers: ClinVar variation 44262 (VCV000044262.47), dbSNP rs111828114, ClinGen allele CA133853.